The following is an entry in ClinVar:

ClinVar aggregate classification (germline): Uncertain significance. Review status: criteria provided, multiple submitters, no conflicts (2 of 4 stars). 3 submissions from 3 submitters: Uncertain significance (2). 1 of the submissions does not count toward it. Last evaluated 2026-03-18.

Conditions:
Ehlers-Danlos syndrome, dermatosparaxis type. Also called: Ehlers-Danlos syndrome, type VII, autosomal recessive; Dermatosparaxis; EDS VIIC. Identifiers: Orphanet 1901, MedGen C2700425, MONDO:0009161, OMIM 225410.

Allele frequency attached by ClinVar (database versions not stated): gnomAD 0.00001; gnomAD exomes 0.00003.

Submissions (3):

Women's Health and Genetics/Laboratory Corporation of America, LabCorp
Classification: Uncertain significance. Last evaluated: 2026-03-18. Review status: criteria provided, single submitter. Criteria: LabCorp Variant Classification Summary - May 2015. Collection method: clinical testing. Allele origin: germline.
Comment: Variant summary: ADAMTS2 c.44_45insACT (p.Ala15_Leu16insLeu) results in an in-frame insertion that is predicted to insert one amino acid into the encoded protein. The variant was absent in 28320 control chromosomes (gnomAD). The available data on variant occurrences in the general population are insufficient to allow any conclusion about variant significance. To our knowledge, no occurrence of c.44_45insACT in individuals affected with ADAMTS2-related conditions and no experimental evidence demonstrating its impact on protein function have been reported. ClinVar contains an entry for this variant (Variation ID: 553069). Based on the evidence outlined above, the variant was classified as uncertain significance.

Blueprint Genetics
Classification: Uncertain significance. Last evaluated: 2022-06-15. Review status: criteria provided, single submitter. Criteria: ACMG Guidelines, 2015. Collection method: clinical testing. Allele origin: germline.

Counsyl
Classification: Uncertain significance for Ehlers-Danlos syndrome, dermatosparaxis type. Last evaluated: 2017-08-01. Review status: no assertion criteria provided. Collection method: clinical testing. Allele origin: unknown. Not counted in ClinVar's aggregate classification.

NM_014244.5(ADAMTS2):c.44_45insACT (p.Leu23dup)

Gene: ADAMTS2 (ADAM metallopeptidase with thrombospondin type 1 motif 2; minus strand). Cytogenetic location: 5q35.3.
Variant type: Insertion.
Coding change: c.44_45insACT on transcript NM_014244.5 (MANE Select); coding-DNA positions 44 to 45, ACT inserted.
Protein change: p.Leu23dup; duplicates leucine 23.
Molecular consequence: inframe insertion.
Genome position: GRCh38 VCF-style: chr5-179345284-C-CAGT. GRCh37 (hg19) VCF-style: chr5-178772285-C-CAGT.
Other names: c.44_45insACT, p.Leu23dup (NM_021599.4).
Identifiers: ClinVar variation 553069 (VCV000553069.4), dbSNP rs540605802, ClinGen allele CA133086996.